The following is an entry in ClinVar:

NM_004006.3(DMD):c.6913-4140G>A

Gene: DMD (dystrophin; minus strand). Cytogenetic location: Xp21.1.
Variant type: single nucleotide variant.
Coding change: c.6913-4140G>A on transcript NM_004006.3 (MANE Select); 4140 bases into the intron before coding-DNA position 6913, G replaced by A.
Molecular consequence: intron variant.
Genome position (GRCh38, 1-based): chrX:31,879,513, C>T on the plus strand (G>A on the coding strand, the complement: DMD is on the minus strand). VCF-style: chrX-31879513-C-T. GRCh37 (hg19) VCF-style: chrX-31897630-C-T.
Other names: c.6889-4140G>A (NM_000109.4); c.2890-4140G>A (NM_004011.4); c.2881-4140G>A (NM_004012.4); c.-468-4140G>A (NM_004023.3, NM_004020.4, NM_004022.3 and 2 more transcripts); c.6901-4140G>A (NM_004009.3); c.6544-4140G>A (NM_004010.3).
Identifiers: ClinVar variation 671086 (VCV000671086.1), dbSNP rs1350475, ClinGen allele CA328483451.

ClinVar aggregate classification (germline): Benign (1 of 4 stars; one submission).

Allele frequency attached by ClinVar (database versions not stated): TOPMed 0.28124; gnomAD 0.28185 and 0.28435; 1000 Genomes Project 30x 0.31530; 1000 Genomes Project 0.32238.
gnomAD v4.1: 31,430 of 110,547 alleles (28%); highest among the groups gnomAD compares: East Asian, 50%; 3,293 homozygotes.

Submission:

GeneDx
Classification: Benign. Last evaluated: 2018-06-16. Review status: criteria provided, single submitter. Criteria: GeneDx Variant Classification (06012015). Collection method: clinical testing. Allele origin: germline. Affected: yes.
Comment: This variant is considered likely benign or benign based on one or more of the following criteria: it is a conservative change, it occurs at a poorly conserved position in the protein, it is predicted to be benign by multiple in silico algorithms, and/or has population frequency not consistent with disease.